The following is an entry in ClinVar:

ClinVar aggregate classification (germline): Uncertain significance. Review status: criteria provided, multiple submitters, no conflicts (2 of 4 stars). 2 submissions from 2 submitters: Uncertain significance (2). Last evaluated 2025-03-31.

Conditions:
Cardiomyopathy (CMYO). Also called: Cardiomyopathies. Identifiers: Orphanet 167848, MedGen C0878544, MONDO:0004994, HP:0001638. Inheritance: Various modes of inheritance.
Cardiovascular phenotype. Identifiers: MedGen CN230736.

Allele frequency attached by ClinVar (database versions not stated): gnomAD exomes below 0.00001.
gnomAD v4.1: 1 of 1,529,142 alleles (0.000065%); highest among the groups gnomAD compares: Non-Finnish European, 0.000087%; no homozygotes.

Submissions (2):

Color Diagnostics, LLC DBA Color Health
Classification: Uncertain significance for Cardiomyopathy. Last evaluated: 2025-03-31. Review status: criteria provided, single submitter. Criteria: ACMG Guidelines, 2015. Collection method: clinical testing. Allele origin: germline.
Comment: This missense variant replaces alanine with valine at codon 23 of the DSC2 protein. Computational prediction suggests that this variant may not impact protein structure and function (internally defined REVEL score threshold <= 0.5, PMID: 27666373). To our knowledge, functional studies have not been reported for this variant. This variant has not been reported in individuals affected with DSC2-related disorders in the literature. This variant has been identified in 1/125050 chromosomes in the general population by the Genome Aggregation Database (gnomAD). The available evidence is insufficient to determine the role of this variant in disease conclusively. Therefore, this variant is classified as a Variant of Uncertain Significance.

Ambry Genetics
Classification: Uncertain significance for Cardiovascular phenotype. Last evaluated: 2020-12-09. Review status: criteria provided, single submitter. Criteria: Ambry Variant Classification Scheme 2023. Collection method: clinical testing. Allele origin: germline.
Comment: The p.A23V variant (also known as c.68C>T), located in coding exon 1 of the DSC2 gene, results from a C to T substitution at nucleotide position 68. The alanine at codon 23 is replaced by valine, an amino acid with similar properties. This amino acid position is poorly conserved in available vertebrate species. In addition, this alteration is predicted to be tolerated by in silico analysis. Since supporting evidence is limited at this time, the clinical significance of this alteration remains unclear.

NM_024422.6(DSC2):c.68C>T (p.Ala23Val)

Genes: DSC2 (desmocollin 2; minus strand), DSCAS (DSC1/DSC2 antisense RNA; plus strand). Cytogenetic location: 18q12.1.
Variant type: single nucleotide variant.
Coding change: c.68C>T on transcript NM_024422.6 (MANE Select); coding-DNA position 68, C replaced by T.
Protein change: p.Ala23Val; replaces alanine 23 with valine.
Molecular consequence: missense variant.
Genome position (GRCh38, 1-based): chr18:31,101,904, G>A on the plus strand (C>T on the coding strand, the complement: DSC2 is on the minus strand). VCF-style: chr18-31101904-G-A. GRCh37 (hg19) VCF-style: chr18-28681867-G-A.
Other names: c.68C>T, p.Ala23Val (NM_004949.5); short protein forms A23V.
Identifiers: ClinVar variation 1756059 (VCV001756059.3), dbSNP rs1478050070, ClinGen allele CA402115206.
Genomic context (GRCh38, chr18:31,101,904, plus strand): 5'-TCCTCTGCACCCTAGGCGATCGCCCCCTTCCCCGGAGCGGTGGCCGCGGCTACACTCACC[G>A]CGAGGGTCAGCAGGAGCAGCCGGCAGAGGGCTCCGTTCCAGGAGCCGGAGGGGCGGGCTG-3'
Protein context (NP_077740.1, residues 13-33): ALCRLLLLTL[Ala23Val]ILIFASDACK